The following is an entry in ClinVar:

ClinVar aggregate classification (germline): Likely pathogenic. Review status: criteria provided, multiple submitters, no conflicts (2 of 4 stars). 3 submissions from 3 submitters: Likely pathogenic (3). Last evaluated 2025-12-30.

Conditions:
Glycogen storage disease, type VII (GSD7). Also called: MUSCLE PHOSPHOFRUCTOKINASE DEFICIENCY; PFKM DEFICIENCY; TARUI DISEASE; GSD VII. Identifiers: Orphanet 371, MedGen C0017926, MONDO:0009295, OMIM 232800.

Allele frequency attached by ClinVar (database versions not stated): gnomAD exomes below 0.00001; TOPMed below 0.00001.
gnomAD v4.1: 1 of 1,607,962 alleles (0.000062%); highest among the groups gnomAD compares: African/African-American, 0.0013%; no homozygotes.

Submissions (3):

Labcorp Genetics (formerly Invitae), Labcorp
Classification: Likely pathogenic for Glycogen storage disease, type VII. Last evaluated: 2025-12-30. Review status: criteria provided, single submitter. Criteria: Invitae Variant Classification Sherloc (09022015). Collection method: clinical testing. Allele origin: germline.
Comment: This sequence change affects a donor splice site in intron 10 of the PFKM gene. It is expected to disrupt RNA splicing. Variants that disrupt the donor or acceptor splice site typically lead to a loss of protein function (PMID: 16199547), and loss-of-function variants in PFKM are known to be pathogenic (PMID: 7825568, 8037209). This variant is not present in population databases (gnomAD no frequency). This variant has not been reported in the literature in individuals affected with PFKM-related conditions. ClinVar contains an entry for this variant (Variation ID: 2105712). Algorithms developed to predict the effect of sequence changes on RNA splicing suggest that this variant may disrupt the consensus splice site. In summary, the currently available evidence indicates that the variant is pathogenic, but additional data are needed to prove that conclusively. Therefore, this variant has been classified as Likely Pathogenic.

Fulgent Genetics
Classification: Likely pathogenic for Glycogen storage disease, type VII. Last evaluated: 2024-05-18. Review status: criteria provided, single submitter. Criteria: ACMG Guidelines, 2015. Collection method: clinical testing. Allele origin: germline.

Baylor Genetics
Classification: Likely pathogenic for Glycogen storage disease, type VII. Last evaluated: 2024-02-06. Review status: criteria provided, single submitter. Criteria: ACMG Guidelines, 2015. Collection method: clinical testing. Allele origin: unknown.

Literature cited by the submitters: PubMed 16199547 (cited by Labcorp Genetics (formerly Invitae), Labcorp); PubMed 7825568 (cited by Labcorp Genetics (formerly Invitae), Labcorp); PubMed 8037209 (cited by Labcorp Genetics (formerly Invitae), Labcorp).

NM_000289.6(PFKM):c.936+2T>G

Gene: PFKM (phosphofructokinase, muscle; plus strand). Cytogenetic location: 12q13.11.
Variant type: single nucleotide variant.
Coding change: c.936+2T>G on transcript NM_000289.6 (MANE Select); the canonical splice donor site of the intron after coding-DNA position 936, T replaced by G.
Molecular consequence: splice donor variant. On other transcripts: intron variant (1).
Genome position (GRCh38, 1-based): chr12:48,135,385, T>G. VCF-style: chr12-48135385-T-G. GRCh37 (hg19) VCF-style: chr12-48529168-T-G.
Other names: c.960+2T>G (NM_001354741.2); c.936+2T>G (NM_001354742.2, NM_001354743.2, NM_001354744.2 and 3 more transcripts); c.786+2T>G (NM_001354747.2, NM_001354748.2); c.1149+2T>G (NM_001166686.2, NM_001354737.1, NM_001354739.1 and 1 more transcripts); c.1245+2T>G (NM_001354736.1, NM_001354735.1); c.1080+2T>G (NM_001354740.1); c.849+2T>G (NM_001354745.2); c.843+347T>G (NM_001363619.2).
Identifiers: ClinVar variation 2105712 (VCV002105712.7), dbSNP rs112163675, ClinGen allele CA236511535.
Genomic context (GRCh38, chr12:48,135,385, plus strand): 5'-TTACTGTCTTGGGGCATGTGCAGAGGGGTGGGACGCCATCAGCCTTTGACAGAATTCTGG[T>G]AAGTCACTGGGCTGTGTGGCCCTCATGCCTTGAAACCCTCAACCTTGTAGTCCTGCCCCC-3'